The following is an entry in ClinVar:

NM_001384140.1(PCDH15):c.4978dup (p.Ser1660fs)

Gene: PCDH15 (protocadherin related 15; minus strand). Cytogenetic location: 10q21.1.
Variant type: Duplication.
Coding change: c.4978dup on transcript NM_001384140.1 (MANE Select); coding-DNA position 4978, one base duplicated (T; older notation c.4978dupT).
Protein change: p.Ser1660fs; shifts the reading frame from serine 1660.
Molecular consequence: frameshift variant.
Genome position (GRCh38, 1-based): chr10:53,806,824, A duplicated on the plus strand (T on the coding strand, the reverse complement: PCDH15 is on the minus strand); the first of 4 consecutive A bases (chr10:53,806,824-53,806,827); duplicating any one gives the same sequence. VCF-style (leftmost placement, unchanged base first): chr10-53806823-G-GA. GRCh37 (hg19) VCF-style: chr10-55566583-G-GA.
Other names: c.4804dup, p.Ser1602fs (NM_001142771.2); c.4789dup, p.Ser1597fs (NM_001142772.2); c.4783dup, p.Ser1595fs (NM_001354420.2); c.4912dup, p.Ser1638fs (NM_001354429.2); c.4912dupT (NM_001354429.1); short protein forms S1595fs, S1597fs, S1602fs, S1638fs, S1660fs.
Identifiers: ClinVar variation 1284435 (VCV001284435.8), dbSNP rs570460962, ClinGen allele CA5504556.
Genomic context (GRCh38, chr10:53,806,823, plus strand): 5'-GTCCCCACAGGGCAAGGGGCAAATGTAACCAGAGTTGGTCTTGCATTCATTTTTTCAGTA[G>GA]AAAATGGCCCCTTTGATAATGTGTTCAGAGGTACATTCTCCTCATGTGTCACTGCCAACT-3'

ClinVar aggregate classification (germline): Conflicting classifications of pathogenicity. Review status: criteria provided, conflicting classifications (1 of 4 stars). 6 submissions from 6 submitters: Uncertain significance (2); Likely benign (1). 3 of the submissions do not count toward it. Last evaluated 2026-07-05.

Conditions:
PCDH15-related disorder. Also called: PCDH15-related condition; PCDH15-related disorders.
Usher syndrome type 1F (USH1F). Also called: USHER SYNDROME, TYPE IF. Identifiers: Orphanet 231169, Orphanet 886, MedGen C1865885, MONDO:0011186, OMIM 602083.
Autosomal recessive nonsyndromic hearing loss 23. Identifiers: Orphanet 90636, MedGen C1836027, MONDO:0012293, OMIM 609533.
Usher syndrome type 1D (USH1D). Also called: USHER SYNDROME, TYPE ID. Identifiers: Orphanet 231169, Orphanet 886, MedGen C1832845, MONDO:0010984, OMIM 601067.

Submissions (6):

PreventionGenetics, part of Exact Sciences
Classification: Likely benign for PCDH15-related condition. Last evaluated: 2026-07-05. Review status: criteria provided, single submitter. Criteria: ACMG Guidelines, 2015. Collection method: clinical testing. Allele origin: germline.
Comment: This variant is classified as likely benign based on ACMG/AMP sequence variant interpretation guidelines (Richards et al. 2015 PMID: 25741868, with internal and published modifications).

Blueprint Genetics
Classification: Uncertain significance. Last evaluated: 2024-09-02. Review status: criteria provided, single submitter. Criteria: ACMG Guidelines, 2015. Collection method: clinical testing. Allele origin: germline.

Fulgent Genetics
Classification: Uncertain significance for Usher syndrome type 1D; Usher syndrome type 1F; Autosomal recessive nonsyndromic hearing loss 23. Last evaluated: 2022-03-18. Review status: criteria provided, single submitter. Criteria: ACMG Guidelines, 2015. Collection method: clinical testing. Allele origin: unknown.

Natera, Inc.
Classification: Uncertain significance for Usher syndrome type 1F. Last evaluated: 2025-02-19. Review status: no assertion criteria provided. Collection method: clinical testing. Allele origin: germline. Not counted in ClinVar's aggregate classification.

Clinical Genetics, Academic Medical Center
Classification: Uncertain significance. Review status: no assertion criteria provided. Collection method: clinical testing. Allele origin: germline. Affected: yes. Study: VKGL Data-share Consensus. Not counted in ClinVar's aggregate classification.

Joint Genome Diagnostic Labs from Nijmegen and Maastricht, Radboudumc and MUMC+
Classification: Uncertain significance. Review status: no assertion criteria provided. Collection method: clinical testing. Allele origin: germline. Affected: yes. Study: VKGL Data-share Consensus. Not counted in ClinVar's aggregate classification.